The following is an entry in ClinVar:

ClinVar aggregate classification (germline): Uncertain significance. Review status: criteria provided, multiple submitters, no conflicts (2 of 4 stars). 6 submissions from 6 submitters: Uncertain significance (6). Last evaluated 2025-04-14.

Conditions:
Hereditary cancer-predisposing syndrome. Also called: Neoplastic Syndromes, Hereditary; Hereditary Cancer Syndrome; Tumor predisposition; Hereditary neoplastic syndrome. Identifiers: Orphanet 140162, MedGen C0027672, MeSH D009386, MONDO:0015356.
Microcephaly, normal intelligence and immunodeficiency (NBS). Also called: IMMUNODEFICIENCY, MICROCEPHALY, AND CHROMOSOMAL INSTABILITY; SEEMANOVA SYNDROME II; Immunodeficiency, microcephaly with normal intelligence; Nijmegen breakage syndrome; Microcephaly with normal intelligence immunodeficiency and lymphoreticular malignancies; Nonsyndromal microcephaly autosomal recessive with normal intelligence. Identifiers: Orphanet 647, MedGen C0398791, MONDO:0009623, OMIM 251260.

Allele frequency attached by ClinVar (database versions not stated): gnomAD exomes below 0.00001; gnomAD 0.00001; TOPMed 0.00001; ESP Exome Variant Server 0.00008.
gnomAD v4.1: 3 of 1,583,312 alleles (0.00019%); highest among the groups gnomAD compares: Non-Finnish European, 0.00026%; no homozygotes.

Submissions (6):

Labcorp Genetics (formerly Invitae), Labcorp
Classification: Uncertain significance for Microcephaly, normal intelligence and immunodeficiency. Last evaluated: 2025-04-14. Review status: criteria provided, single submitter. Criteria: Invitae Variant Classification Sherloc (09022015). Collection method: clinical testing. Allele origin: germline.
Comment: This sequence change replaces serine, which is neutral and polar, with proline, which is neutral and non-polar, at codon 630 of the NBN protein (p.Ser630Pro). This variant is present in population databases (rs377132067, gnomAD 0.007%). This variant has not been reported in the literature in individuals affected with NBN-related conditions. ClinVar contains an entry for this variant (Variation ID: 211575). An algorithm developed to predict the effect of missense changes on protein structure and function outputs the following: PolyPhen-2: "Benign". The proline amino acid residue is found in multiple mammalian species, which suggests that this missense change does not adversely affect protein function. In summary, the available evidence is currently insufficient to determine the role of this variant in disease. Therefore, it has been classified as a Variant of Uncertain Significance.

Ambry Genetics
Classification: Uncertain significance for Hereditary cancer-predisposing syndrome. Last evaluated: 2023-11-05. Review status: criteria provided, single submitter. Criteria: Ambry Variant Classification Scheme 2023. Collection method: clinical testing. Allele origin: germline.
Comment: The p.S630P variant (also known as c.1888T>C), located in coding exon 12 of the NBN gene, results from a T to C substitution at nucleotide position 1888. The serine at codon 630 is replaced by proline, an amino acid with similar properties. This amino acid position is not well conserved in available vertebrate species. In addition, this alteration is predicted to be tolerated by in silico analysis. Since supporting evidence is limited at this time, the clinical significance of this alteration remains unclear.

Genome-Nilou Lab
Classification: Uncertain significance for Microcephaly, normal intelligence and immunodeficiency. Last evaluated: 2021-11-07. Review status: criteria provided, single submitter. Criteria: ACMG Guidelines, 2015. Collection method: clinical testing. Allele origin: germline. Affected: no.

Color Diagnostics, LLC DBA Color Health
Classification: Uncertain significance for Hereditary cancer-predisposing syndrome. Last evaluated: 2019-04-17. Review status: criteria provided, single submitter. Criteria: ACMG Guidelines, 2015. Collection method: clinical testing. Allele origin: germline.

GeneDx
Classification: Uncertain significance. Last evaluated: 2019-04-05. Review status: criteria provided, single submitter. Criteria: GeneDx Variant Classification Process June 2021. Collection method: clinical testing. Allele origin: germline. Affected: yes.
Comment: Not observed at a significant frequency in large population cohorts (Lek et al., 2016); In silico analysis, which includes protein predictors and evolutionary conservation, supports that this variant does not alter protein structure/function; Has not been previously published as pathogenic or benign to our knowledge

Genetic Services Laboratory, University of Chicago
Classification: Uncertain significance. Last evaluated: 2015-07-07. Review status: criteria provided, single submitter. Criteria: ACMG Guidelines, 2015. Collection method: clinical testing. Allele origin: germline.

NM_002485.5(NBN):c.1888T>C (p.Ser630Pro)

Genes: NBN (nibrin; minus strand), LOC126860438 (MED14-independent group 3 enhancer GRCh37_chr8:90959982-90961181; plus strand). Cytogenetic location: 8q21.3.
Variant type: single nucleotide variant.
Coding change: c.1888T>C on transcript NM_002485.5 (MANE Select); coding-DNA position 1888, T replaced by C.
Protein change: p.Ser630Pro; replaces serine 630 with proline.
Molecular consequence: missense variant.
Genome position (GRCh38, 1-based): chr8:89,947,850, A>G on the plus strand (T>C on the coding strand, the complement: NBN is on the minus strand). VCF-style: chr8-89947850-A-G. GRCh37 (hg19) VCF-style: chr8-90960078-A-G.
Other names: c.1642T>C, p.Ser548Pro (NM_001024688.3); short protein forms S630P, S548P.
Identifiers: ClinVar variation 211575 (VCV000211575.24), dbSNP rs377132067, ClinGen allele CA208304.
Genomic context (GRCh38, chr8:89,947,850, plus strand): 5'-AAATCTGTATAAAAATTAATAAAACGTTTCTCACAGATATTTCTTTAGCTGACCATAGTG[A>G]GTCTTCCTTGAGTTCACGTTTCTTCCCAATTTCATTTTCTTGCTAAAGAAATAAAATAAA-3'
Protein context (NP_002476.2, residues 620-640): IGKKRELKED[Ser630Pro]LWSAKEISNN